The following is an entry in ClinVar:

NM_005435.4(ARHGEF5):c.1092A>C (p.Ile364=)

Gene: ARHGEF5 (Rho guanine nucleotide exchange factor 5; plus strand). Cytogenetic location: 7q35.
Variant type: single nucleotide variant.
Coding change: c.1092A>C on transcript NM_005435.4 (MANE Select); coding-DNA position 1092, A replaced by C.
Protein change: p.Ile364=; no amino-acid change (isoleucine 364 retained).
Molecular consequence: synonymous variant.
Genome position (GRCh38, 1-based): chr7:144,363,761, A>C. VCF-style: chr7-144363761-A-C. GRCh37 (hg19) VCF-style: chr7-144060854-A-C.
Identifiers: ClinVar variation 2658127 (VCV002658127.24), dbSNP rs776214865, ClinGen allele CA4544010.

ClinVar aggregate classification (germline): Likely benign (1 of 4 stars; one submission).

Allele frequency attached by ClinVar (database versions not stated): ExAC 0.00249; 1000 Genomes Project 30x 0.00281.

Submission:

CeGaT Center for Human Genetics Tuebingen
Classification: Likely benign. Last evaluated: 2023-07-01. Review status: criteria provided, single submitter. Criteria: CeGaT Center For Human Genetics Tuebingen Variant Classification Criteria Version 2. Collection method: clinical testing. Allele origin: germline. Affected: yes. Observed: 1 variant allele.
Comment: ARHGEF5: BP4, BP7, BS2